The following is an entry in ClinVar:

ClinVar aggregate classification (germline): Conflicting classifications of pathogenicity. Review status: criteria provided, conflicting classifications (1 of 4 stars). 6 submissions from 6 submitters: Uncertain significance (1); Benign (1); Likely benign (4). Last evaluated 2025-12-15.

Conditions:
Gnathodiaphyseal dysplasia (GDD). Also called: GNATHODIAPHYSEAL SCLEROSIS; OSTEOGENESIS IMPERFECTA WITH UNUSUAL SKELETAL LESIONS. Identifiers: Orphanet 53697, MedGen C1833736, MONDO:0008151, OMIM 166260.
Autosomal recessive limb-girdle muscular dystrophy type 2L (LGMDR12). Also called: Limb-girdle muscular dystrophy, type 2L; Limb-Girdle Muscular Dystrophy R12 Anoctamin-5-Related (LGMD-R12); MUSCULAR DYSTROPHY, LIMB-GIRDLE, AUTOSOMAL RECESSIVE 12. Identifiers: Orphanet 206549, MedGen C1969785, MONDO:0012652, OMIM 611307.

Submissions (6):

Labcorp Genetics (formerly Invitae), Labcorp
Classification: Benign for Autosomal recessive limb-girdle muscular dystrophy type 2L; Gnathodiaphyseal dysplasia. Last evaluated: 2025-12-15. Review status: criteria provided, single submitter. Criteria: Invitae Variant Classification Sherloc (09022015). Collection method: clinical testing. Allele origin: germline.

Mayo Clinic Laboratories, Mayo Clinic
Classification: Likely benign. Last evaluated: 2025-10-01. Review status: criteria provided, single submitter. Criteria: ACMG Guidelines, 2015. Collection method: clinical testing. Allele origin: germline. Observed: 2 variant alleles.
Comment: BS1, BP4, BP7

Blueprint Genetics
Classification: Likely benign. Last evaluated: 2024-11-14. Review status: criteria provided, single submitter. Criteria: ACMG Guidelines, 2015. Collection method: clinical testing. Allele origin: germline.

Athena Diagnostics
Classification: Likely benign. Last evaluated: 2024-08-29. Review status: criteria provided, single submitter. Criteria: Athena Diagnostics Criteria. Collection method: clinical testing. Allele origin: unknown.

GeneDx
Classification: Likely benign. Last evaluated: 2019-07-25. Review status: criteria provided, single submitter. Criteria: GeneDx Variant Classification Process June 2021. Collection method: clinical testing. Allele origin: germline. Affected: yes.
Comment: This variant is associated with the following publications: (PMID: 30564623)

Eurofins Ntd Llc (ga)
Classification: Uncertain significance. Last evaluated: 2018-05-14. Review status: criteria provided, single submitter. Criteria: EGL ClinVar v180209 classification definitions. Collection method: clinical testing. Allele origin: germline. Observed: 3 variant alleles, 3 heterozygotes.

NM_213599.3(ANO5):c.879-7_879-6del

Gene: ANO5 (anoctamin 5; plus strand). Cytogenetic location: 11p14.3.
Variant type: Deletion.
Coding change: c.879-7_879-6del on transcript NM_213599.3 (MANE Select); 7 bases into the intron before coding-DNA position 879 through 6 bases into the intron before coding-DNA position 879, 2 bases deleted (TT; older notation c.879-7_879-6delTT).
Molecular consequence: intron variant.
Genome position (GRCh38, 1-based): chr11:22,250,230-22,250,231, TT deleted; deleting any 2 consecutive bases within chr11:22,250,227-22,250,231 gives the same sequence; the c. name uses the placement nearest the transcript's 3' end. VCF-style (leftmost placement, unchanged base first): chr11-22250226-CTT-C. GRCh37 (hg19) VCF-style: chr11-22271772-CTT-C.
Other names: p.?; c.876-7_876-6del (NM_001142649.2); c.879-7_879-6delTT (NM_213599.2).
Identifiers: ClinVar variation 288430 (VCV000288430.21), dbSNP rs143977836, ClinGen allele CA5923068.
Genomic context (GRCh38, chr11:22,250,226, plus strand): 5'-GAATACAAAATCAAGGCTCCAGACTATAACATTCTTCCATATTCTGATTCTGTTTTTACT[CTT>C]TTTCACAGGAATTATTATGGAGAAAAAATTGGTATCTATTTTGTCTTTCTTGGATTTTAC-3'